The following is an entry in ClinVar:

ClinVar aggregate classification (germline): Uncertain significance (1 of 4 stars; one submission).

Conditions:
Inborn genetic diseases. Identifiers: MedGen C0950123, MeSH D030342.

Allele frequency attached by ClinVar (database versions not stated): gnomAD exomes 0.00001.
gnomAD v4.1: 6 of 1,614,016 alleles (0.00037%); highest among the groups gnomAD compares: Non-Finnish European, 0.00051%; no homozygotes.

Submission:

Ambry Genetics
Classification: Uncertain significance for Inborn genetic diseases. Last evaluated: 2021-08-17. Review status: criteria provided, single submitter. Criteria: Ambry Variant Classification Scheme 2023. Collection method: clinical testing. Allele origin: germline.
Comment: The p.Q784R variant (also known as c.2351A>G), located in coding exon 15 of the EPAS1 gene, results from an A to G substitution at nucleotide position 2351. The glutamine at codon 784 is replaced by arginine, an amino acid with highly similar properties. This amino acid position is conserved. In addition, this alteration is predicted to be tolerated by in silico analysis. Since supporting evidence is limited at this time, the clinical significance of this alteration remains unclear.

NM_001430.5(EPAS1):c.2351A>G (p.Gln784Arg)

Gene: EPAS1 (endothelial PAS domain protein 1; plus strand). Cytogenetic location: 2p21.
Variant type: single nucleotide variant.
Coding change: c.2351A>G on transcript NM_001430.5 (MANE Select); coding-DNA position 2351, A replaced by G.
Protein change: p.Gln784Arg; replaces glutamine 784 with arginine.
Molecular consequence: missense variant.
Genome position (GRCh38, 1-based): chr2:46,382,488, A>G. VCF-style: chr2-46382488-A-G. GRCh37 (hg19) VCF-style: chr2-46609627-A-G.
Other names: short protein forms Q784R.
Identifiers: ClinVar variation 1790012 (VCV001790012.2), dbSNP rs756889148, ClinGen allele CA1645321.
Genomic context (GRCh38, chr2:46,382,488, plus strand): 5'-AGTTCACCCAAAACCCCATGAGGGGCCTGGGCCATCCCCTGAGACATCTGCCGCTGCCAC[A>G]GCCTCCATCTGCCATCAGTCCCGGGGAGAACAGCAAGAGCAGGTTCCCCCCACAGTGCTA-3'
Protein context (NP_001421.2, residues 774-794): GHPLRHLPLP[Gln784Arg]PPSAISPGEN